The following is an entry in ClinVar:

ClinVar aggregate classification (germline): Uncertain significance. Review status: criteria provided, multiple submitters, no conflicts (2 of 4 stars). 2 submissions from 2 submitters: Uncertain significance (2). Last evaluated 2026-09-01.

Conditions:
Hereditary cancer-predisposing syndrome. Also called: Tumor predisposition; Hereditary neoplastic syndrome; Hereditary Cancer Syndrome; Neoplastic Syndromes, Hereditary. Identifiers: Orphanet 140162, MedGen C0027672, MeSH D009386, MONDO:0015356.
Familial cancer of breast. Also called: Hereditary breast cancer; BREAST CANCER, FAMILIAL; hereditary breast carcinoma. Identifiers: Orphanet 227535, MedGen C0346153, MONDO:0016419, OMIM 114480. Disease mechanism: loss of function.
Fanconi anemia complementation group J. Also called: BRIP1-Related Fanconi Anemia. Identifiers: Orphanet 84, MedGen C1836860, MONDO:0012187, OMIM 609054.

gnomAD v4.1: 1 of 1,614,084 alleles (0.000062%); highest among the groups gnomAD compares: Non-Finnish European, 0.000085%; no homozygotes.

Submissions (2):

Ambry Genetics
Classification: Uncertain significance for Hereditary cancer-predisposing syndrome. Last evaluated: 2026-09-01. Review status: criteria provided, single submitter. Criteria: Ambry Variant Classification Scheme 2023. Collection method: clinical testing. Allele origin: germline.
Comment: The p.S682F variant (also known as c.2045C>T), located in coding exon 13 of the BRIP1 gene, results from a C to T substitution at nucleotide position 2045. The serine at codon 682 is replaced by phenylalanine, an amino acid with highly dissimilar properties. This amino acid position is conserved. In addition, the in silico prediction for this alteration is inconclusive. Based on the available evidence, the clinical significance of this variant remains unclear.

Labcorp Genetics (formerly Invitae), Labcorp
Classification: Uncertain significance for Familial cancer of breast; Fanconi anemia complementation group J. Last evaluated: 2024-10-31. Review status: criteria provided, single submitter. Criteria: Invitae Variant Classification Sherloc (09022015). Collection method: clinical testing. Allele origin: germline.
Comment: This sequence change replaces serine, which is neutral and polar, with phenylalanine, which is neutral and non-polar, at codon 682 of the BRIP1 protein (p.Ser682Phe). This variant is not present in population databases (gnomAD no frequency). This variant has not been reported in the literature in individuals affected with BRIP1-related conditions. Invitae Evidence Modeling of protein sequence and biophysical properties (such as structural, functional, and spatial information, amino acid conservation, physicochemical variation, residue mobility, and thermodynamic stability) has been performed for this missense variant. However, the output from this modeling did not meet the statistical confidence thresholds required to predict the impact of this variant on BRIP1 protein function. In summary, the available evidence is currently insufficient to determine the role of this variant in disease. Therefore, it has been classified as a Variant of Uncertain Significance.

NM_032043.3(BRIP1):c.2045C>T (p.Ser682Phe)

Gene: BRIP1 (BRCA1 interacting DNA helicase 1; minus strand). Cytogenetic location: 17q23.2.
Variant type: single nucleotide variant.
Coding change: c.2045C>T on transcript NM_032043.3 (MANE Select); coding-DNA position 2045, C replaced by T.
Protein change: p.Ser682Phe; replaces serine 682 with phenylalanine.
Molecular consequence: missense variant.
Genome position (GRCh38, 1-based): chr17:61,776,453, G>A on the plus strand (C>T on the coding strand, the complement: BRIP1 is on the minus strand). VCF-style: chr17-61776453-G-A. GRCh37 (hg19) VCF-style: chr17-59853814-G-A.
Other names: short protein forms S682F.
Identifiers: ClinVar variation 3749011 (VCV003749011.3).
Genomic context (GRCh38, chr17:61,776,453, plus strand): 5'-TCCCTTACCTTGTAAGATGGCAAGAAACACAAAATTCCTTGGCTCACAGTCTGGCACACA[G>A]ATAACAAAAGTGCTCCCACTTCATCTTGGAACTCAAATGTTTCAGTATTCTGGAAGGTAG-3'
Protein context (NP_114432.2, residues 672-692): FQDEVGALLL[Ser682Phe]VCQTVSQGIL